The following is an entry in ClinVar:

ClinVar aggregate classification (germline): Uncertain significance (1 of 4 stars; one submission).

Conditions:
Familial adenomatous polyposis 1 (FAP1). Also called: FAMILIAL ADENOMATOUS POLYPOSIS 1, ATTENUATED; POLYPOSIS, ADENOMATOUS INTESTINAL. Identifiers: MedGen C2713442, MONDO:0021056, OMIM 175100. Disease mechanism: loss of function.

Submission:

Labcorp Genetics (formerly Invitae), Labcorp
Classification: Uncertain significance for Familial adenomatous polyposis 1. Last evaluated: 2023-07-03. Review status: criteria provided, single submitter. Criteria: Invitae Variant Classification Sherloc (09022015). Collection method: clinical testing. Allele origin: germline.
Comment: In summary, the available evidence is currently insufficient to determine the role of this variant in disease. Therefore, it has been classified as a Variant of Uncertain Significance. Advanced modeling of protein sequence and biophysical properties (such as structural, functional, and spatial information, amino acid conservation, physicochemical variation, residue mobility, and thermodynamic stability) performed at Invitae indicates that this missense variant is not expected to disrupt APC protein function. ClinVar contains an entry for this variant (Variation ID: 1353840). This variant has not been reported in the literature in individuals affected with APC-related conditions. This variant is not present in population databases (gnomAD no frequency). This sequence change replaces serine, which is neutral and polar, with threonine, which is neutral and polar, at codon 1213 of the APC protein (p.Ser1213Thr).

NM_000038.6(APC):c.3637T>A (p.Ser1213Thr)

Gene: APC (APC regulator of Wnt signaling pathway; plus strand). Cytogenetic location: 5q22.2.
Variant type: single nucleotide variant.
Coding change: c.3637T>A on transcript NM_000038.6 (MANE Select); coding-DNA position 3637, T replaced by A.
Protein change: p.Ser1213Thr; replaces serine 1213 with threonine.
Molecular consequence: missense variant.
Genome position (GRCh38, 1-based): chr5:112,839,231, T>A. VCF-style: chr5-112839231-T-A. GRCh37 (hg19) VCF-style: chr5-112174928-T-A.
Other names: c.3637T>A, p.Ser1213Thr (NM_001127510.3, NM_001354895.2); c.3583T>A, p.Ser1195Thr (NM_001127511.3); c.3691T>A, p.Ser1231Thr (NM_001354896.2); c.3667T>A, p.Ser1223Thr (NM_001354897.2); c.3562T>A, p.Ser1188Thr (NM_001354898.2); c.3553T>A, p.Ser1185Thr (NM_001354899.2); c.3514T>A, p.Ser1172Thr (NM_001354900.2); c.3460T>A, p.Ser1154Thr (NM_001354901.2); and 5 more; short protein forms S1112T, S1172T, S1188T, S1195T, S930T, S1053T, S1087T, S1122T.
Identifiers: ClinVar variation 1353840 (VCV001353840.8), dbSNP rs2149896052, ClinGen allele CA16029318.